The following is an entry in ClinVar:

NM_000487.6(ARSA):c.474C>A (p.Cys158Ter)

Gene: ARSA (arylsulfatase A; minus strand). Cytogenetic location: 22q13.33.
Variant type: single nucleotide variant.
Coding change: c.474C>A on transcript NM_000487.6 (MANE Select); coding-DNA position 474, C replaced by A.
Protein change: p.Cys158Ter; replaces cysteine 158 with a stop codon.
Molecular consequence: nonsense.
Genome position (GRCh38, 1-based): chr22:50,627,044, G>T on the plus strand (C>A on the coding strand, the complement: ARSA is on the minus strand). VCF-style: chr22-50627044-G-T. GRCh37 (hg19) VCF-style: chr22-51065472-G-T.
Other names: p.Cys158*; c.474C>A, p.Cys158Ter (NM_001085425.3, NM_001085426.3, NM_001085427.3); c.216C>A, p.Cys72Ter (NM_001085428.3, NM_001362782.2); short protein forms C158*, C72*.
Identifiers: ClinVar variation 265461 (VCV000265461.25), dbSNP rs768028181, ClinGen allele CA10325000.
Genomic context (GRCh38, chr22:50,627,044, plus strand): 5'-CAGGCCCTGGTCACAGCCACCGTCGCAAGGAGTGGCCGGCGGGAAGCAGGTCAGGTTCTG[G>T]CAGGGGCCCTGAGGCGGGCAGCTGCCGTGAGGGCTGGGCTGGCAGGTGGGGCTGCGGGAG-3'

ClinVar aggregate classification (germline): Pathogenic. Review status: criteria provided, multiple submitters, no conflicts (2 of 4 stars). 7 submissions from 7 submitters: Pathogenic (5). 2 of the submissions do not count toward it. Last evaluated 2026-02-04.

Conditions:
ARSA-related disorder. Also called: ARSA-related condition.
Metachromatic leukodystrophy (MLD). Also called: METACHROMATIC LEUKOENCEPHALOPATHY; SULFATIDE LIPIDOSIS; Cerebral sclerosis diffuse metachromatic form; Arylsulfatase A Deficiency; ARSA DEFICIENCY; CEREBROSIDE SULFATASE DEFICIENCY. Identifiers: Orphanet 512, MedGen C0023522, MONDO:0018868, OMIM 250100.

Allele frequency attached by ClinVar (database versions not stated): gnomAD exomes 0.00001 and 0.00004; TOPMed 0.00001; ExAC 0.00003.
gnomAD v4.1: 9 of 1,606,742 alleles (0.00056%); highest among the groups gnomAD compares: Admixed American, 0.015%; no homozygotes.

Submissions (7):

Labcorp Genetics (formerly Invitae), Labcorp
Classification: Pathogenic for Metachromatic leukodystrophy. Last evaluated: 2026-02-04. Review status: criteria provided, single submitter. Criteria: Invitae Variant Classification Sherloc (09022015). Collection method: clinical testing. Allele origin: germline.
Comment: This sequence change creates a premature translational stop signal (p.Cys158*) in the ARSA gene. It is expected to result in an absent or disrupted protein product. Loss-of-function variants in ARSA are known to be pathogenic (PMID: 8962139, 10477432). This variant is present in population databases (rs768028181, gnomAD 0.03%). This premature translational stop signal has been observed in individuals with metachromatic leukodystrophy (PMID: 24001781). This variant is also known as 468C>A, p.C156X. ClinVar contains an entry for this variant (Variation ID: 265461). For these reasons, this variant has been classified as Pathogenic.

Natera, Inc.
Classification: Pathogenic for Metachromatic leukodystrophy. Last evaluated: 2025-10-29. Review status: criteria provided, single submitter. Criteria: Natera Variant Classification Schema (03/2026). Collection method: clinical testing. Allele origin: germline.
Comment: The c.474C>A variant in ARSA is a nonsense variant predicted to introduce a stop codon at amino acid 158. This variant is expected to result in nonsense mediated decay, truncation, or a dysfunctional protein product. This variant is rare in the general population with a frequency below the threshold expected for the associated phenotype(s). This variant has been observed in one or more individuals affected with the associated recessive disease, as either homozygous or compound heterozygous with a second variant (PMID: 24001781). Given the available evidence, this variant is classified as Pathogenic.

GeneDx
Classification: Pathogenic. Last evaluated: 2024-03-23. Review status: criteria provided, single submitter. Criteria: GeneDx Variant Classification Process June 2021. Collection method: clinical testing. Allele origin: germline. Affected: yes.
Comment: Nonsense variant predicted to result in protein truncation or nonsense mediated decay in a gene for which loss of function is a known mechanism of disease; Also known as p.C156X; This variant is associated with the following publications: (PMID: 36939041, 24001781, 26462614, 37480112)

Fulgent Genetics
Classification: Pathogenic for Metachromatic leukodystrophy. Last evaluated: 2021-08-30. Review status: criteria provided, single submitter. Criteria: ACMG Guidelines, 2015. Collection method: clinical testing. Allele origin: unknown.

Mayo Clinic Laboratories, Mayo Clinic
Classification: Pathogenic. Last evaluated: 2021-08-25. Review status: criteria provided, single submitter. Criteria: ACMG Guidelines, 2015. Collection method: clinical testing. Allele origin: germline.
Comment: PM2, PVS1

PreventionGenetics, part of Exact Sciences
Classification: Pathogenic for ARSA-related condition. Last evaluated: 2024-07-25. Review status: no assertion criteria provided. Collection method: clinical testing. Allele origin: germline. Not counted in ClinVar's aggregate classification.
Comment: The ARSA c.474C>A variant is predicted to result in premature protein termination (p.Cys158*). This variant has been reported in the homozygous and compound heterozygous states in patients with autosomal recessive metachromatic leukodystrophy (alternate nomenclature p.Cys156*; Luzi et al. 2013. PubMed ID: 24001781). This variant was also reported in the homozygous state in an individual with delayed speech and language development, developmental regression, spasticity, dystonia, and hypertonia (Tables S1 and S2, Meng et al. 2023. PubMed ID: 36939041). Other early termination changes have been reported as causative both up and downstream; and this variant has been consistently classified as pathogenic in ClinVar. This variant is reported in 0.026% of alleles in individuals of Latino descent in gnomAD. Nonsense variants in ARSA are expected to be pathogenic. This variant is interpreted as pathogenic.

Counsyl
Classification: Likely pathogenic for Metachromatic leukodystrophy. Last evaluated: 2015-07-17. Review status: no assertion criteria provided. Collection method: clinical testing. Allele origin: unknown. Not counted in ClinVar's aggregate classification.

Literature cited by the submitters: PubMed 8962139 (cited by Labcorp Genetics (formerly Invitae), Labcorp); PubMed 10477432 (cited by Labcorp Genetics (formerly Invitae), Labcorp); PubMed 24001781 (cited by 4 submitters).